The following is an entry in ClinVar:

NM_001042492.3(NF1):c.655-3T>C

Gene: NF1 (neurofibromin 1; plus strand). Cytogenetic location: 17q11.2.
Variant type: single nucleotide variant.
Coding change: c.655-3T>C on transcript NM_001042492.3 (MANE Select); 3 bases into the intron before coding-DNA position 655, T replaced by C.
Molecular consequence: intron variant.
Genome position (GRCh38, 1-based): chr17:31,181,707, T>C. VCF-style: chr17-31181707-T-C. GRCh37 (hg19) VCF-style: chr17-29508725-T-C.
Other names: c.655-3T>C (NM_000267.4, NM_001128147.3).
Identifiers: ClinVar variation 480072 (VCV000480072.15), dbSNP rs746584147, ClinGen allele CA8485603.

ClinVar aggregate classification (germline): Likely benign. Review status: criteria provided, multiple submitters, no conflicts (2 of 4 stars). 4 submissions from 4 submitters: Likely benign (4). Last evaluated 2026-05-11.

Conditions:
Hereditary cancer-predisposing syndrome. Also called: Hereditary neoplastic syndrome; Neoplastic Syndromes, Hereditary; Hereditary Cancer Syndrome; Tumor predisposition. Identifiers: Orphanet 140162, MedGen C0027672, MeSH D009386, MONDO:0015356.
Cardiovascular phenotype. Identifiers: MedGen CN230736.
Neurofibromatosis, type 1 (NF1). Also called: Peripheral type neurofibromatosis; Neurofibromatosis, type I; VON RECKLINGHAUSEN DISEASE; NEUROFIBROMATOSIS, TYPE I, SOMATIC. Identifiers: Orphanet 636, MedGen C0027831, MONDO:0018975, OMIM 162200. Disease mechanism: loss of function.

Allele frequency attached by ClinVar (database versions not stated): gnomAD exomes 0.00001 and below 0.00001; gnomAD 0.00001; ExAC 0.00002.
gnomAD v4.1: 9 of 1,602,562 alleles (0.00056%); highest among the groups gnomAD compares: South Asian, 0.0055%; no homozygotes.

Submissions (4):

Myriad Genetics, Inc.
Classification: Likely benign for Neurofibromatosis, type 1. Last evaluated: 2026-05-11. Review status: criteria provided, single submitter. Criteria: Myriad Autosomal Dominant, Autosomal Recessive and X-Linked Classification Criteria (2023). Collection method: clinical testing. Allele origin: unknown.
Comment: This variant is considered likely benign. This variant is intronic and is not expected to impact mRNA splicing.

Labcorp Genetics (formerly Invitae), Labcorp
Classification: Likely benign for Neurofibromatosis, type 1. Last evaluated: 2025-05-21. Review status: criteria provided, single submitter. Criteria: Invitae Variant Classification Sherloc (09022015). Collection method: clinical testing. Allele origin: germline.

GeneDx
Classification: Likely benign. Last evaluated: 2020-09-21. Review status: criteria provided, single submitter. Criteria: GeneDx Variant Classification Process June 2021. Collection method: clinical testing. Allele origin: germline. Affected: yes.

Ambry Genetics
Classification: Likely benign for Cardiovascular phenotype; Hereditary cancer-predisposing syndrome. Last evaluated: 2019-01-21. Review status: criteria provided, single submitter. Criteria: Ambry Variant Classification Scheme 2023. Collection method: clinical testing. Allele origin: germline.